The following is an entry in ClinVar:

ClinVar aggregate classification (germline): Conflicting classifications of pathogenicity. Review status: criteria provided, conflicting classifications (1 of 4 stars). 3 submissions from 3 submitters: Uncertain significance (1); Likely benign (1). 1 of the submissions does not count toward it. Last evaluated 2025-10-07.

Conditions:
Spastic paraplegia. Identifiers: MedGen C0037772, HP:0001258.
RTN2-related disorder. Also called: RTN2-related condition.
Inborn genetic diseases. Identifiers: MedGen C0950123, MeSH D030342.

Allele frequency attached by ClinVar (database versions not stated): gnomAD 0.00003; gnomAD exomes 0.00004; ExAC 0.00006; TOPMed 0.00007.
gnomAD v4.1: 27 of 1,613,786 alleles (0.0017%); highest among the groups gnomAD compares: Admixed American, 0.043%; no homozygotes.

Submissions (3):

Ambry Genetics
Classification: Uncertain significance for Inborn genetic diseases. Last evaluated: 2025-10-07. Review status: criteria provided, single submitter. Criteria: Ambry Variant Classification Scheme 2023. Collection method: clinical testing. Allele origin: germline.

Labcorp Genetics (formerly Invitae), Labcorp
Classification: Likely benign for Spastic paraplegia. Last evaluated: 2024-02-12. Review status: criteria provided, single submitter. Criteria: Invitae Variant Classification Sherloc (09022015). Collection method: clinical testing. Allele origin: germline.

PreventionGenetics, part of Exact Sciences
Classification: Likely benign for RTN2-related condition. Last evaluated: 2022-10-04. Review status: no assertion criteria provided. Collection method: clinical testing. Allele origin: germline. Not counted in ClinVar's aggregate classification.
Comment: This variant is classified as likely benign based on ACMG/AMP sequence variant interpretation guidelines (Richards et al. 2015 PMID: 25741868, with internal and published modifications).

NM_005619.5(RTN2):c.1493A>G (p.His498Arg)

Genes: RTN2 (reticulon 2; minus strand), OPA3-RTN2 (OPA3-RTN2 readthrough; minus strand). Cytogenetic location: 19q13.32.
Variant type: single nucleotide variant.
Coding change: c.1493A>G on transcript NM_005619.5 (MANE Select); coding-DNA position 1493, A replaced by G.
Protein change: p.His498Arg; replaces histidine 498 with arginine.
Molecular consequence: missense variant.
Genome position (GRCh38, 1-based): chr19:45,488,475, T>C on the plus strand (A>G on the coding strand, the complement: RTN2 is on the minus strand). VCF-style: chr19-45488475-T-C. GRCh37 (hg19) VCF-style: chr19-45991733-T-C.
Other names: c.1274A>G, p.His425Arg (NM_206900.3); c.473A>G, p.His158Arg (NM_206901.3); c.1493A>G (NM_005619.3, NM_005619.4); short protein forms H425R, H158R, H498R.
Identifiers: ClinVar variation 2047472 (VCV002047472.7), dbSNP rs767066842, ClinGen allele CA9515945.